The following is an entry in ClinVar:

ClinVar aggregate classification (germline): Uncertain significance (1 of 4 stars; one submission).

Allele frequency attached by ClinVar (database versions not stated): gnomAD exomes below 0.00001.
gnomAD v4.1: 8 of 1,608,848 alleles (0.0005%); highest among the groups gnomAD compares: South Asian, 0.0033%; no homozygotes.

Submission:

Laboratory for Molecular Medicine, Mass General Brigham Personalized Medicine
Classification: Uncertain significance. Last evaluated: 2015-06-16. Review status: criteria provided, single submitter. Criteria: LMM Criteria. Collection method: clinical testing. Allele origin: germline. Observed: 1 variant allele.
Comment: The p.Cys1193Tyr variant in OTOGL has not been previously reported in individual s with hearing loss or in large population studies. Computational prediction too ls and conservation analysis do not provide strong support for or against an imp act to the protein. This variant is located in the last three bases of the exon, which is part of the 5? splice region. While computational tools do not suggest an impact to splicing, this information is not predictive enough to rule out pa thogenicity. In summary, the clinical significance of the p.Cys1193Tyr variant i s uncertain.

NM_001378609.3(OTOGL):c.3605G>A (p.Cys1202Tyr)

Gene: OTOGL (otogelin like; plus strand). Cytogenetic location: 12q21.31.
Variant type: single nucleotide variant.
Coding change: c.3605G>A on transcript NM_001378609.3 (MANE Select); coding-DNA position 3605, G replaced by A.
Protein change: p.Cys1202Tyr; replaces cysteine 1202 with tyrosine.
Molecular consequence: missense variant.
Genome position (GRCh38, 1-based): chr12:80,313,630, G>A. VCF-style: chr12-80313630-G-A. GRCh37 (hg19) VCF-style: chr12-80707410-G-A.
Other names: c.3470G>A, p.Cys1157Tyr (NM_001368062.3); c.3605G>A, p.Cys1202Tyr (NM_001378610.3, NM_173591.7); short protein forms C1193Y, C1157Y, C1202Y.
Identifiers: ClinVar variation 229118 (VCV000229118.5), dbSNP rs876657948, ClinGen allele CA10576934.